The following is an entry in ClinVar:

ClinVar aggregate classification (germline): Uncertain significance (1 of 4 stars; one submission).

Conditions:
Eichsfeld type congenital muscular dystrophy (CMYO3). Also called: SELENON-related myopathy; Congenital myopathy 3 with rigid spine; Rigid spine muscular dystrophy 1; MYOPATHY, SEPN1-RELATED. Identifiers: MedGen C0410180, MONDO:0100100, OMIM 602771.

Allele frequency attached by ClinVar (database versions not stated): gnomAD 0.00001; TOPMed 0.00003.

Submission:

Labcorp Genetics (formerly Invitae), Labcorp
Classification: Uncertain significance for Eichsfeld type congenital muscular dystrophy. Last evaluated: 2023-10-22. Review status: criteria provided, single submitter. Criteria: Invitae Variant Classification Sherloc (09022015). Collection method: clinical testing. Allele origin: germline.
Comment: This sequence change replaces asparagine, which is neutral and polar, with serine, which is neutral and polar, at codon 126 of the SELENON protein (p.Asn126Ser). This variant is not present in population databases (gnomAD no frequency). This variant has not been reported in the literature in individuals affected with SELENON-related conditions. ClinVar contains an entry for this variant (Variation ID: 2166701). An algorithm developed to predict the effect of missense changes on protein structure and function (PolyPhen-2) suggests that this variant is likely to be tolerated. In summary, the available evidence is currently insufficient to determine the role of this variant in disease. Therefore, it has been classified as a Variant of Uncertain Significance.

NM_206926.2(SELENON):c.301+931A>G

Gene: SELENON (selenoprotein N; plus strand). Cytogenetic location: 1p36.11.
Variant type: single nucleotide variant.
Coding change: c.301+931A>G on transcript NM_206926.2 (MANE Select); 931 bases into the intron after coding-DNA position 301, A replaced by G.
Molecular consequence: intron variant. On other transcripts: missense variant (1).
Genome position (GRCh38, 1-based): chr1:25,802,091, A>G. VCF-style: chr1-25802091-A-G. GRCh37 (hg19) VCF-style: chr1-26128582-A-G.
Other names: c.377A>G, p.Asn126Ser (NM_020451.3); short protein forms N126S.
Identifiers: ClinVar variation 2166701 (VCV002166701.4), dbSNP rs1053281657, ClinGen allele CA19693716.